The following is an entry in ClinVar:

NM_138927.4(SON):c.4132T>A (p.Ser1378Thr)

Gene: SON (SON DNA and RNA binding protein; plus strand). Cytogenetic location: 21q22.11.
Variant type: single nucleotide variant.
Coding change: c.4132T>A on transcript NM_138927.4 (MANE Select); coding-DNA position 4132, T replaced by A.
Protein change: p.Ser1378Thr; replaces serine 1378 with threonine.
Molecular consequence: missense variant. On other transcripts: non-coding transcript variant (1), intron variant (1).
Genome position (GRCh38, 1-based): chr21:33,553,363, T>A. VCF-style: chr21-33553363-T-A. GRCh37 (hg19) VCF-style: chr21-34925669-T-A.
Other names: c.4132T>A, p.Ser1378Thr (NM_001291411.2, NM_032195.3); c.245-3793T>A (NM_001291412.3); short protein forms S1378T.
Identifiers: ClinVar variation 4769870 (VCV004769870.1).

ClinVar aggregate classification (germline): Uncertain significance (1 of 4 stars; one submission).

Submission:

Labcorp Genetics (formerly Invitae), Labcorp
Classification: Uncertain significance. Last evaluated: 2025-08-02. Review status: criteria provided, single submitter. Criteria: Invitae Variant Classification Sherloc (09022015). Collection method: clinical testing. Allele origin: germline.
Comment: This sequence change replaces serine, which is neutral and polar, with threonine, which is neutral and polar, at codon 1378 of the SON protein (p.Ser1378Thr). This variant is not present in population databases (gnomAD no frequency). This variant has not been reported in the literature in individuals affected with SON-related conditions. An algorithm developed to predict the effect of missense changes on protein structure and function (PolyPhen-2) suggests that this variant is likely to be tolerated. In summary, the available evidence is currently insufficient to determine the role of this variant in disease. Therefore, it has been classified as a Variant of Uncertain Significance.